The following is an entry in ClinVar:

NM_016562.4(TLR7):c.268C>T (p.His90Tyr)

Gene: TLR7 (toll like receptor 7; plus strand). Cytogenetic location: Xp22.2.
Variant type: single nucleotide variant.
Coding change: c.268C>T on transcript NM_016562.4 (MANE Select); coding-DNA position 268, C replaced by T.
Protein change: p.His90Tyr; replaces histidine 90 with tyrosine.
Molecular consequence: missense variant.
Genome position (GRCh38, 1-based): chrX:12,885,776, C>T. VCF-style: chrX-12885776-C-T. GRCh37 (hg19) VCF-style: chrX-12903895-C-T.
Other names: short protein forms H90Y.
Identifiers: ClinVar variation 2832710 (VCV002832710.3), dbSNP rs2042908417, ClinGen allele CA412404438.

ClinVar aggregate classification (germline): Uncertain significance (1 of 4 stars; one submission).

Submission:

Labcorp Genetics (formerly Invitae), Labcorp
Classification: Uncertain significance. Last evaluated: 2023-01-28. Review status: criteria provided, single submitter. Criteria: Invitae Variant Classification Sherloc (09022015). Collection method: clinical testing. Allele origin: germline.
Comment: This sequence change replaces histidine, which is basic and polar, with tyrosine, which is neutral and polar, at codon 90 of the TLR7 protein (p.His90Tyr). This variant is not present in population databases (gnomAD no frequency). This variant has not been reported in the literature in individuals affected with TLR7-related conditions. Algorithms developed to predict the effect of missense changes on protein structure and function output the following: SIFT: "Tolerated"; PolyPhen-2: "Benign"; Align-GVGD: "Class C0". The tyrosine amino acid residue is found in multiple mammalian species, which suggests that this missense change does not adversely affect protein function. In summary, the available evidence is currently insufficient to determine the role of this variant in disease. Therefore, it has been classified as a Variant of Uncertain Significance.